The following is an entry in ClinVar:

ClinVar aggregate classification (germline): Uncertain significance (1 of 4 stars; one submission).

Conditions:
X-linked lymphoproliferative disease due to XIAP deficiency. Also called: XIAP-Related Lymphoproliferative Disease, X-Linked; XIAP DEFICIENCY. Identifiers: Orphanet 2442, Orphanet 538934, MedGen C1845076, MONDO:0010385, OMIM 300635.

Allele frequency attached by ClinVar (database versions not stated): gnomAD exomes below 0.00001.
gnomAD v4.1: 1 of 1,210,798 alleles (0.000083%); highest among the groups gnomAD compares: African/African-American, 0.0017%; no homozygotes.

Submission:

Labcorp Genetics (formerly Invitae), Labcorp
Classification: Uncertain significance for X-linked lymphoproliferative disease due to XIAP deficiency. Last evaluated: 2020-09-19. Review status: criteria provided, single submitter. Criteria: Invitae Variant Classification Sherloc (09022015). Collection method: clinical testing. Allele origin: germline.
Comment: In summary, the available evidence is currently insufficient to determine the role of this variant in disease. Therefore, it has been classified as a Variant of Uncertain Significance. Algorithms developed to predict the effect of missense changes on protein structure and function are either unavailable or do not agree on the potential impact of this missense change (SIFT: "Not Available"; PolyPhen-2: "Benign"; Align-GVGD: "Not Available"). This variant has not been reported in the literature in individuals with XIAP-related conditions. This variant is not present in population databases (ExAC no frequency). This sequence change replaces glycine with glutamic acid at codon 401 of the XIAP protein (p.Gly401Glu). The glycine residue is moderately conserved and there is a moderate physicochemical difference between glycine and glutamic acid.

NM_001167.4(XIAP):c.1202G>A (p.Gly401Glu)

Gene: XIAP (X-linked inhibitor of apoptosis; plus strand). Cytogenetic location: Xq25.
Variant type: single nucleotide variant.
Coding change: c.1202G>A on transcript NM_001167.4 (MANE Select); coding-DNA position 1202, G replaced by A.
Protein change: p.Gly401Glu; replaces glycine 401 with glutamic acid.
Molecular consequence: missense variant. On other transcripts: non-coding transcript variant (2).
Genome position (GRCh38, 1-based): chrX:123,900,595, G>A. VCF-style: chrX-123900595-G-A. GRCh37 (hg19) VCF-style: chrX-123034445-G-A.
Other names: c.1202G>A, p.Gly401Glu (NM_001204401.2, NM_001378590.1, NM_001378591.1 and 1 more transcripts); short protein forms G401E.
Identifiers: ClinVar variation 1009668 (VCV001009668.7), dbSNP rs2053506750, ClinGen allele CA414127262.